The following is an entry in ClinVar:

NM_005633.4(SOS1):c.3347-318A>G

Gene: SOS1 (SOS Ras/Rac guanine nucleotide exchange factor 1; minus strand). Cytogenetic location: 2p22.1.
Variant type: single nucleotide variant.
Coding change: c.3347-318A>G on transcript NM_005633.4 (MANE Select); 318 bases into the intron before coding-DNA position 3347, A replaced by G.
Molecular consequence: intron variant.
Genome position (GRCh38, 1-based): chr2:38,989,632, T>C on the plus strand (A>G on the coding strand, the complement: SOS1 is on the minus strand). VCF-style: chr2-38989632-T-C. GRCh37 (hg19) VCF-style: chr2-39216773-T-C.
Other names: c.3326-318A>G (NM_001382394.1); c.3347-2041A>G (NM_001382395.1).
Identifiers: ClinVar variation 561828 (VCV000561828.1), dbSNP rs963730, ClinGen allele CA15189917.

ClinVar aggregate classification (germline): Benign (1 of 4 stars; one submission).

Allele frequency attached by ClinVar (database versions not stated): 1000 Genomes Project 30x 0.73189; 1000 Genomes Project 0.74401; TOPMed 0.77072; gnomAD 0.78616 and 0.79093.
gnomAD v4.1: 120,462 of 152,098 alleles (79%); highest among the groups gnomAD compares: Non-Finnish European, 92%; 50,601 homozygotes.

Submission:

GeneDx
Classification: Benign. Last evaluated: 2018-06-18. Review status: criteria provided, single submitter. Criteria: GeneDx Variant Classification (06012015). Collection method: clinical testing. Allele origin: germline. Affected: yes.
Comment: This variant is considered likely benign or benign based on one or more of the following criteria: it is a conservative change, it occurs at a poorly conserved position in the protein, it is predicted to be benign by multiple in silico algorithms, and/or has population frequency not consistent with disease.